The following is an entry in ClinVar:

ClinVar aggregate classification (germline): Uncertain significance. Review status: criteria provided, multiple submitters, no conflicts (2 of 4 stars). 4 submissions from 3 submitters: Uncertain significance (4). Last evaluated 2023-11-04.

Conditions:
Usher syndrome type 2A. Also called: RETINAL DISEASE IN USHER SYNDROME TYPE IIA, MODIFIER OF; USHER SYNDROME, TYPE IIA. Identifiers: Orphanet 231178, Orphanet 886, MedGen C1848634, MONDO:0010169, OMIM 276901.
Retinitis pigmentosa 39 (RP39). Identifiers: Orphanet 791, MedGen C3151138, MONDO:0013436, OMIM 613809.

gnomAD v4.1: 23 of 1,613,786 alleles (0.0014%); highest among the groups gnomAD compares: Non-Finnish European, 0.0019%; no homozygotes.

Submissions (4):

Genome-Nilou Lab
Classification: Uncertain significance for Retinitis pigmentosa 39. Last evaluated: 2023-11-04. Review status: criteria provided, single submitter. Criteria: ACMG Guidelines, 2015. Collection method: clinical testing. Allele origin: germline. Affected: no.

Genome-Nilou Lab
Classification: Uncertain significance for Usher syndrome type 2A. Last evaluated: 2023-11-04. Review status: criteria provided, single submitter. Criteria: ACMG Guidelines, 2015. Collection method: clinical testing. Allele origin: germline. Affected: no.

Labcorp Genetics (formerly Invitae), Labcorp
Classification: Uncertain significance. Last evaluated: 2022-06-09. Review status: criteria provided, single submitter. Criteria: Invitae Variant Classification Sherloc (09022015). Collection method: clinical testing. Allele origin: germline.
Comment: This sequence change replaces leucine, which is neutral and non-polar, with valine, which is neutral and non-polar, at codon 4030 of the USH2A protein (p.Leu4030Val). This variant is present in population databases (rs141528682, gnomAD 0.002%). This variant has not been reported in the literature in individuals affected with USH2A-related conditions. Algorithms developed to predict the effect of missense changes on protein structure and function are either unavailable or do not agree on the potential impact of this missense change (SIFT: "Deleterious"; PolyPhen-2: "Benign"; Align-GVGD: "Class C25"). In summary, the available evidence is currently insufficient to determine the role of this variant in disease. Therefore, it has been classified as a Variant of Uncertain Significance.

Women's Health and Genetics/Laboratory Corporation of America, LabCorp
Classification: Uncertain significance. Last evaluated: 2022-05-10. Review status: criteria provided, single submitter. Criteria: LabCorp Variant Classification Summary - May 2015. Collection method: clinical testing. Allele origin: germline.
Comment: Variant summary: USH2A c.12088C>G (p.Leu4030Val) results in a conservative amino acid change located in the Fibronectin type III domain (IPR003961) of the encoded protein sequence. Five of five in-silico tools predict a benign effect of the variant on protein function. The variant allele was found at a frequency of 8e-06 in 250552 control chromosomes. The available data on variant occurrences in the general population are insufficient to allow any conclusion about variant significance. c.12088C>G has been reported in the literature as a heterozygous non-informative genotype (second allele not reported) in at-least one individual reportedly affected with Retinitis Pigmentosa (RP) undergoing a multigene panel for suspected retinal dystrophies (example, McGowan_2020). These report(s) do not provide unequivocal conclusions about association of the variant with Usher Syndrome. To our knowledge, no experimental evidence demonstrating an impact on protein function has been reported. One clinical diagnostic laboratory has submitted clinical-significance assessments for this variant to ClinVar after 2014 without evidence for independent evaluation and classified the variant as uncertain significance. Based on the evidence outlined above, the variant was classified as uncertain significance.

Literature cited by the submitters: PubMed 32579692 (cited by Women's Health and Genetics/Laboratory Corporation of America, LabCorp).

NM_206933.4(USH2A):c.12088C>G (p.Leu4030Val)

Gene: USH2A (usherin; minus strand). Cytogenetic location: 1q41.
Variant type: single nucleotide variant.
Coding change: c.12088C>G on transcript NM_206933.4 (MANE Select); coding-DNA position 12088, C replaced by G.
Protein change: p.Leu4030Val; replaces leucine 4030 with valine.
Molecular consequence: missense variant.
Genome position (GRCh38, 1-based): chr1:215,680,355, G>C on the plus strand (C>G on the coding strand, the complement: USH2A is on the minus strand). VCF-style: chr1-215680355-G-C. GRCh37 (hg19) VCF-style: chr1-215853697-G-C.
Other names: short protein forms L4030V.
Identifiers: ClinVar variation 1508807 (VCV001508807.6), dbSNP rs141528682, ClinGen allele CA1393540.